The following is an entry in ClinVar:

ClinVar aggregate classification (germline): Uncertain significance. Review status: criteria provided, multiple submitters, no conflicts (2 of 4 stars). 2 submissions from 2 submitters: Uncertain significance (2). Last evaluated 2023-05-31.

Conditions:
Arrhythmogenic right ventricular dysplasia 5. Also called: Arrhythmogenic Right Ventricular Dysplasia/Cardiomyopathy 5; ARRHYTHMOGENIC RIGHT VENTRICULAR DYSPLASIA, FAMILIAL, 5. Identifiers: MedGen C1858379, MONDO:0011459, OMIM 604400.

Submissions (2):

All of Us Research Program, National Institutes of Health
Classification: Uncertain significance for Arrhythmogenic right ventricular dysplasia 5. Last evaluated: 2023-05-31. Review status: criteria provided, single submitter. Criteria: ACMG Guidelines, 2015. Collection method: clinical testing. Allele origin: germline. Inheritance: Autosomal dominant inheritance. Observed: 1 variant allele, 1 heterozygote.
Comment: This study involves interpretation of variants in research participants for the purpose of population health screening. Participant phenotype was not available at the time of variant classification. Additional details can be found in publication PMID: 35346344, PMCID: PMC8962531

Labcorp Genetics (formerly Invitae), Labcorp
Classification: Uncertain significance for Arrhythmogenic right ventricular dysplasia 5. Last evaluated: 2020-01-27. Review status: criteria provided, single submitter. Criteria: Invitae Variant Classification Sherloc (09022015). Collection method: clinical testing. Allele origin: germline.
Comment: This sequence change replaces aspartic acid with glycine at codon 335 of the TMEM43 protein (p.Asp335Gly). The aspartic acid residue is highly conserved and there is a moderate physicochemical difference between aspartic acid and glycine. This variant is not present in population databases (ExAC no frequency). This variant has not been reported in the literature in individuals with TMEM43-related disease. Algorithms developed to predict the effect of missense changes on protein structure and function do not agree on the potential impact of this missense change (SIFT: "Tolerated"; PolyPhen-2: "Probably Damaging"; Align-GVGD: "Class C0"). In summary, the available evidence is currently insufficient to determine the role of this variant in disease. Therefore, it has been classified as a Variant of Uncertain Significance.

NM_024334.3(TMEM43):c.1004A>G (p.Asp335Gly)

Gene: TMEM43 (transmembrane protein 43; plus strand). Cytogenetic location: 3p25.1.
Variant type: single nucleotide variant.
Coding change: c.1004A>G on transcript NM_024334.3 (MANE Select); coding-DNA position 1004, A replaced by G.
Protein change: p.Asp335Gly; replaces aspartic acid 335 with glycine.
Molecular consequence: missense variant.
Genome position (GRCh38, 1-based): chr3:14,141,596, A>G. VCF-style: chr3-14141596-A-G. GRCh37 (hg19) VCF-style: chr3-14183096-A-G.
Other names: short protein forms D335G.
Identifiers: ClinVar variation 534755 (VCV000534755.9), dbSNP rs1553603641, ClinGen allele CA351536349.